The following is an entry in ClinVar:

NM_001875.5(CPS1):c.2459T>C (p.Ile820Thr)

Gene: CPS1 (carbamoyl-phosphate synthase 1; plus strand). Cytogenetic location: 2q34.
Variant type: single nucleotide variant.
Coding change: c.2459T>C on transcript NM_001875.5 (MANE Select); coding-DNA position 2459, T replaced by C.
Protein change: p.Ile820Thr; replaces isoleucine 820 with threonine.
Molecular consequence: missense variant. On other transcripts: non-coding transcript variant (2).
Genome position (GRCh38, 1-based): chr2:210,612,184, T>C. VCF-style: chr2-210612184-T-C. GRCh37 (hg19) VCF-style: chr2-211476908-T-C.
Other names: c.2459T>C, p.Ile820Thr (NM_001122633.3, NM_001369257.1); c.2492T>C, p.Ile831Thr (NM_001369256.1); short protein forms I820T, I831T.
Identifiers: ClinVar variation 1056733 (VCV001056733.5), dbSNP rs763191148, ClinGen allele CA2086644.

ClinVar aggregate classification (germline): Uncertain significance. Review status: criteria provided, single submitter (1 of 4 stars). 2 submissions from 2 submitters: Uncertain significance (1). 1 of the submissions does not count toward it. Last evaluated 2021-08-31.

Conditions:
Congenital hyperammonemia, type I. Also called: CPS I DEFICIENCY; Carbamoyl phosphate synthetase I deficiency disease; Carbamoyl phosphate synthetase 1 deficiency; Hyperammonemia due to carbamoyl phosphate synthetase 1 deficiency; CPS 1 deficiency; Carbamyl phosphate synthetase (CPS) deficiency. Identifiers: Orphanet 147, MedGen C4082171, MONDO:0009376, OMIM 237300.

Allele frequency attached by ClinVar (database versions not stated): gnomAD exomes 0.00001 and 0.00003; ExAC 0.00002; gnomAD 0.00002; TOPMed 0.00003.
gnomAD v4.1: 45 of 1,612,136 alleles (0.0028%); highest among the groups gnomAD compares: Non-Finnish European, 0.0036%; no homozygotes.

Submissions (2):

Labcorp Genetics (formerly Invitae), Labcorp
Classification: Uncertain significance for Congenital hyperammonemia, type I. Last evaluated: 2021-08-31. Review status: criteria provided, single submitter. Criteria: Invitae Variant Classification Sherloc (09022015). Collection method: clinical testing. Allele origin: germline.
Comment: This sequence change replaces isoleucine with threonine at codon 820 of the CPS1 protein (p.Ile820Thr). The isoleucine residue is weakly conserved and there is a moderate physicochemical difference between isoleucine and threonine. This variant is present in population databases (rs763191148, ExAC 0.02%). This variant has not been reported in the literature in individuals affected with CPS1-related conditions. Algorithms developed to predict the effect of missense changes on protein structure and function are either unavailable or do not agree on the potential impact of this missense change (SIFT: "Deleterious"; PolyPhen-2: "Benign"; Align-GVGD: "Class C0"). In summary, the available evidence is currently insufficient to determine the role of this variant in disease. Therefore, it has been classified as a Variant of Uncertain Significance.

Natera, Inc.
Classification: Uncertain significance for Carbamoyl-phosphate synthase I deficiency. Last evaluated: 2020-03-12. Review status: no assertion criteria provided. Collection method: clinical testing. Allele origin: germline. Not counted in ClinVar's aggregate classification.